The following is an entry in ClinVar:

ClinVar aggregate classification (germline): Uncertain significance. Review status: criteria provided, multiple submitters, no conflicts (2 of 4 stars). 2 submissions from 2 submitters: Uncertain significance (2). Last evaluated 2026-07-07.

Conditions:
Hereditary cancer-predisposing syndrome. Also called: Hereditary neoplastic syndrome; Neoplastic Syndromes, Hereditary; Tumor predisposition; Hereditary Cancer Syndrome. Identifiers: Orphanet 140162, MedGen C0027672, MeSH D009386, MONDO:0015356.

Submissions (2):

Ambry Genetics
Classification: Uncertain significance for Hereditary cancer-predisposing syndrome. Last evaluated: 2026-07-07. Review status: criteria provided, single submitter. Criteria: Ambry Variant Classification Scheme 2023. Collection method: clinical testing. Allele origin: germline.
Comment: The p.L112P variant (also known as c.335T>C), located in coding exon 3 of the FH gene, results from a T to C substitution at nucleotide position 335. The leucine at codon 112 is replaced by proline, an amino acid with similar properties. This amino acid position is conserved. In addition, this alteration is predicted to be deleterious by in silico analysis. Based on the available evidence, the clinical significance of this variant remains unclear.

Labcorp Genetics (formerly Invitae), Labcorp
Classification: Uncertain significance. Last evaluated: 2022-08-16. Review status: criteria provided, single submitter. Criteria: Invitae Variant Classification Sherloc (09022015). Collection method: clinical testing. Allele origin: germline.
Comment: This sequence change replaces leucine, which is neutral and non-polar, with proline, which is neutral and non-polar, at codon 112 of the FH protein (p.Leu112Pro). In summary, the available evidence is currently insufficient to determine the role of this variant in disease. Therefore, it has been classified as a Variant of Uncertain Significance. Advanced modeling of protein sequence and biophysical properties (such as structural, functional, and spatial information, amino acid conservation, physicochemical variation, residue mobility, and thermodynamic stability) performed at Invitae indicates that this missense variant is expected to disrupt FH protein function. This variant has not been reported in the literature in individuals affected with FH-related conditions. This variant is not present in population databases (gnomAD no frequency).

NM_000143.4(FH):c.335T>C (p.Leu112Pro)

Gene: FH (fumarate hydratase; minus strand). Cytogenetic location: 1q43.
Variant type: single nucleotide variant.
Coding change: c.335T>C on transcript NM_000143.4 (MANE Select); coding-DNA position 335, T replaced by C.
Protein change: p.Leu112Pro; replaces leucine 112 with proline.
Molecular consequence: missense variant.
Genome position (GRCh38, 1-based): chr1:241,513,646, A>G on the plus strand (T>C on the coding strand, the complement: FH is on the minus strand). VCF-style: chr1-241513646-A-G. GRCh37 (hg19) VCF-style: chr1-241676946-A-G.
Other names: short protein forms L112P.
Identifiers: ClinVar variation 1917622 (VCV001917622.6), dbSNP rs2527335183, ClinGen allele CA345440633.